The following is an entry in ClinVar:

ClinVar aggregate classification (germline): Uncertain significance (0 of 4 stars; one submission).

Conditions:
NOTCH2-related disorder. Also called: NOTCH2-related condition.

Submission:

PreventionGenetics, part of Exact Sciences
Classification: Uncertain significance for NOTCH2-related condition. Last evaluated: 2024-05-15. Review status: no assertion criteria provided. Collection method: clinical testing. Allele origin: germline.
Comment: The NOTCH2 c.2714G>C variant is predicted to result in the amino acid substitution p.Gly905Ala. To our knowledge, this variant has not been reported in the literature or in a large population database, indicating this variant is rare. At this time, the clinical significance of this variant is uncertain due to the absence of conclusive functional and genetic evidence.

NM_024408.4(NOTCH2):c.2714G>C (p.Gly905Ala)

Gene: NOTCH2 (notch receptor 2; minus strand). Cytogenetic location: 1p12.
Variant type: single nucleotide variant.
Coding change: c.2714G>C on transcript NM_024408.4 (MANE Select); coding-DNA position 2714, G replaced by C.
Protein change: p.Gly905Ala; replaces glycine 905 with alanine.
Molecular consequence: missense variant.
Genome position (GRCh38, 1-based): chr1:119,948,452, C>G on the plus strand (G>C on the coding strand, the complement: NOTCH2 is on the minus strand). VCF-style: chr1-119948452-C-G. GRCh37 (hg19) VCF-style: chr1-120491075-C-G.
Other names: c.2714G>C, p.Gly905Ala (NM_001200001.2); short protein forms G905A.
Identifiers: ClinVar variation 3347912 (VCV003347912.1).
Genomic context (GRCh38, chr1:119,948,452, plus strand): 5'-AAGAGCTGACTGGCATACTCACTGGCAAGGCAGTCATCAATGTCCTCCTCACAGTCCATA[C>G]CACTGAAGCCTGGTGGACATTCACACATGTAGCTGCCCTGGGTGTTATGGCAGAGACCAT-3'
Protein context (NP_077719.2, residues 895-915): YMCECPPGFS[Gly905Ala]MDCEEDIDDC